The following is an entry in ClinVar:

NM_001366145.2(TRPM3):c.2916C>T (p.Leu972=)

Gene: TRPM3 (transient receptor potential cation channel subfamily M member 3; minus strand). Cytogenetic location: 9q21.12.
Variant type: single nucleotide variant.
Coding change: c.2916C>T on transcript NM_001366145.2 (MANE Select); coding-DNA position 2916, C replaced by T.
Protein change: p.Leu972=; no amino-acid change (leucine 972 retained).
Molecular consequence: synonymous variant.
Genome position (GRCh38, 1-based): chr9:70,598,551, G>A on the plus strand (C>T on the coding strand, the complement: TRPM3 is on the minus strand). VCF-style: chr9-70598551-G-A. GRCh37 (hg19) VCF-style: chr9-73213467-G-A.
Other names: c.2457C>T, p.Leu819= (NM_024971.7, NM_001366154.2); c.2391C>T, p.Leu797= (NM_206944.5); c.2427C>T, p.Leu809= (NM_206945.5); c.2496C>T, p.Leu832= (NM_206946.5); c.2466C>T, p.Leu822= (NM_206947.5); c.2880C>T, p.Leu960= (NM_001007471.4, NM_001366151.2); c.2886C>T, p.Leu962= (NM_001366141.2, NM_001366143.2, NM_001366149.2); c.2922C>T, p.Leu974= (NM_001366142.2); and 5 more.
Identifiers: ClinVar variation 5038701 (VCV005038701.1).

ClinVar aggregate classification (germline): Likely benign (1 of 4 stars; one submission).

gnomAD v4.1: 1 of 1,614,224 alleles (0.000062%); highest among the groups gnomAD compares: Non-Finnish European, 0.000085%; no homozygotes.

Submission:

CeGaT Center for Human Genetics Tuebingen
Classification: Likely benign. Last evaluated: 2026-08-01. Review status: criteria provided, single submitter. Criteria: CeGaT Center For Human Genetics Tuebingen Variant Classification Criteria Version 2. Collection method: clinical testing. Allele origin: germline. Affected: yes. Observed: 1 variant allele.
Comment: TRPM3: BP4, BP7